The following is an entry in ClinVar:

ClinVar aggregate classification (germline): Uncertain significance (1 of 4 stars; one submission).

Conditions:
Peroxisome biogenesis disorder 9B. Also called: PEX7-Related Refsum Disease; PEROXISOME BIOGENESIS DISORDER, PEX7-RELATED, ATYPICAL; Refsum disease, adult, 2. Identifiers: Orphanet 773, MedGen C2749346, MONDO:0013945, OMIM 614879.

Allele frequency attached by ClinVar (database versions not stated): gnomAD exomes below 0.00001.
gnomAD v4.1: 5 of 1,304,244 alleles (0.00038%); highest among the groups gnomAD compares: Non-Finnish European, 0.00048%; no homozygotes.

Submission:

Labcorp Genetics (formerly Invitae), Labcorp
Classification: Uncertain significance for Peroxisome biogenesis disorder 9B. Last evaluated: 2025-10-13. Review status: criteria provided, single submitter. Criteria: Invitae Variant Classification Sherloc (09022015). Collection method: clinical testing. Allele origin: germline.
Comment: This sequence change falls in intron 1 of the PEX7 gene. It does not directly change the encoded amino acid sequence of the PEX7 protein. It affects a nucleotide within the consensus splice site. This variant is not present in population databases (gnomAD no frequency). This variant has not been reported in the literature in individuals affected with PEX7-related conditions. ClinVar contains an entry for this variant (Variation ID: 1991705). Variants that disrupt the consensus splice site are a relatively common cause of aberrant splicing (PMID: 17576681, 9536098). Algorithms developed to predict the effect of sequence changes on RNA splicing suggest that this variant is not likely to affect RNA splicing. In summary, the available evidence is currently insufficient to determine the role of this variant in disease. Therefore, it has been classified as a Variant of Uncertain Significance.

Literature cited by the submitters: PubMed 17576681; PubMed 9536098.

NM_000288.4(PEX7):c.130+3G>A

Gene: PEX7 (peroxisomal biogenesis factor 7; plus strand). Cytogenetic location: 6q23.3.
Variant type: single nucleotide variant.
Coding change: c.130+3G>A on transcript NM_000288.4 (MANE Select); 3 bases into the intron after coding-DNA position 130, G replaced by A.
Molecular consequence: intron variant.
Genome position (GRCh38, 1-based): chr6:136,822,798, G>A. VCF-style: chr6-136822798-G-A. GRCh37 (hg19) VCF-style: chr6-137143936-G-A.
Identifiers: ClinVar variation 1991705 (VCV001991705.2), dbSNP rs2548068937, ClinGen allele CA2578751594.